The following is an entry in ClinVar:

ClinVar aggregate classification (germline): Pathogenic (1 of 4 stars; one submission).

Conditions:
Joubert syndrome. Also called: CEREBELLOPARENCHYMAL DISORDER IV; JOUBERT-BOLTSHAUSER SYNDROME; Familial aplasia of the vermis. Identifiers: Orphanet 475, MedGen C5979921, MONDO:0018772.

Submission:

Labcorp Genetics (formerly Invitae), Labcorp
Classification: Pathogenic for Joubert syndrome. Last evaluated: 2023-10-03. Review status: criteria provided, single submitter. Criteria: Invitae Variant Classification Sherloc (09022015). Collection method: clinical testing. Allele origin: germline.
Comment: This sequence change replaces asparagine, which is neutral and polar, with threonine, which is neutral and polar, at codon 456 of the INPP5E protein (p.Asn456Thr). This variant is not present in population databases (gnomAD no frequency). This missense change has been observed in individuals with retinitis pigmentosa (Invitae). ClinVar contains an entry for this variant (Variation ID: 1420962). Advanced modeling of protein sequence and biophysical properties (such as structural, functional, and spatial information, amino acid conservation, physicochemical variation, residue mobility, and thermodynamic stability) performed at Invitae indicates that this missense variant is expected to disrupt INPP5E protein function. For these reasons, this variant has been classified as Pathogenic.

NM_019892.6(INPP5E):c.1367A>C (p.Asn456Thr)

Gene: INPP5E (inositol polyphosphate-5-phosphatase E; minus strand). Cytogenetic location: 9q34.3.
Variant type: single nucleotide variant.
Coding change: c.1367A>C on transcript NM_019892.6 (MANE Select); coding-DNA position 1367, A replaced by C.
Protein change: p.Asn456Thr; replaces asparagine 456 with threonine.
Molecular consequence: missense variant.
Genome position (GRCh38, 1-based): chr9:136,432,499, T>G on the plus strand (A>C on the coding strand, the complement: INPP5E is on the minus strand). VCF-style: chr9-136432499-T-G. GRCh37 (hg19) VCF-style: chr9-139326951-T-G.
Other names: c.1364A>C, p.Asn455Thr (NM_001318502.2); short protein forms N455T, N456T.
Identifiers: ClinVar variation 1420962 (VCV001420962.6), dbSNP rs2131607846, ClinGen allele CA375563278.
Genomic context (GRCh38, chr9:136,432,499, plus strand): 5'-CCACGGCGGCACCACCCACACGCAGCGTGGACGCCCTCACCTGCGCTGGAGCGATAGGGG[T>G]TGGTGTCGGGCACATTTCTGGGCAGGACCAGGGCTTGTACAGTCCTGGTGTAGTCCAGCA-3'
Protein context (NP_063945.2, residues 446-466): LVLPRNVPDT[Asn456Thr]PYRSSAADVT